The following is an entry in ClinVar:

NM_002055.5(GFAP):c.1126C>T (p.Arg376Trp)

Genes: GFAP (glial fibrillary acidic protein; minus strand), LOC130060994 (ATAC-STARR-seq lymphoblastoid active region 12266; plus strand). Cytogenetic location: 17q21.31.
Variant type: single nucleotide variant.
Coding change: c.1126C>T on transcript NM_002055.5 (MANE Select); coding-DNA position 1126, C replaced by T.
Protein change: p.Arg376Trp; replaces arginine 376 with tryptophan.
Molecular consequence: missense variant.
Genome position (GRCh38, 1-based): chr17:44,911,237, G>A on the plus strand (C>T on the coding strand, the complement: GFAP is on the minus strand). VCF-style: chr17-44911237-G-A. GRCh37 (hg19) VCF-style: chr17-42988605-G-A.
Other names: c.1126C>T, p.Arg376Trp (NM_001131019.3, NM_001242376.3, NM_001363846.2); short protein forms R376W.
Identifiers: ClinVar variation 66443 (VCV000066443.13), dbSNP rs267607512, ClinGen allele CA217122.
Genomic context (GRCh38, chr17:44,911,237, plus strand): 5'-GATGAGCTCTACCGTGAGGCAGCAGGGAGACTTCCCCAGGGGCTGTGATGAGGGCTCACC[G>A]GTTCTCCTCGCCCTCTAGCAGCTTCCTGTAGGTGGCGATCTCGATGTCCAGGGCCAGCTT-3'
Protein context (NP_002046.1, residues 366-386): YRKLLEGEEN[Arg376Trp]ITIPVQTFSN

ClinVar aggregate classification (germline): Pathogenic. Review status: criteria provided, multiple submitters, no conflicts (2 of 4 stars). 5 submissions from 5 submitters: Pathogenic (3). 2 of the submissions do not count toward it. Last evaluated 2025-07-14.

Conditions:
GFAP-related disorder. Also called: GFAP-related disorders; GFAP-related condition.
Alexander disease (ALXDRD). Also called: Alexander's disease. Identifiers: Orphanet 58, MedGen C0270726, MONDO:0008752, OMIM 203450.

Submissions (5):

Labcorp Genetics (formerly Invitae), Labcorp
Classification: Pathogenic. Last evaluated: 2025-07-14. Review status: criteria provided, single submitter. Criteria: Invitae Variant Classification Sherloc (09022015). Collection method: clinical testing. Allele origin: germline.
Comment: This sequence change replaces arginine, which is basic and polar, with tryptophan, which is neutral and slightly polar, at codon 376 of the GFAP protein (p.Arg376Trp). This variant is not present in population databases (gnomAD no frequency). This missense change has been observed in individual(s) with Alexander disease (PMID: 18217876, 21533827, 23149175, 27468269; internal data). In at least one individual the variant was observed to be de novo. ClinVar contains an entry for this variant (Variation ID: 66443). An algorithm developed to predict the effect of missense changes on protein structure and function (PolyPhen-2) suggests that this variant is likely to be disruptive. Experimental studies have shown that this missense change affects GFAP function (PMID: 27648269). This variant disrupts the p.Arg376 amino acid residue in GFAP. Other variant(s) that disrupt this residue have been observed in individuals with GFAP-related conditions (PMID: 21917775), which suggests that this may be a clinically significant amino acid residue. For these reasons, this variant has been classified as Pathogenic.

GeneDx
Classification: Pathogenic. Last evaluated: 2021-12-06. Review status: criteria provided, single submitter. Criteria: GeneDx Variant Classification Process June 2021. Collection method: clinical testing. Allele origin: germline. Affected: yes.
Comment: Published functional studies suggest a damaging effect (Boczek et al., 2016); In silico analysis, which includes protein predictors and evolutionary conservation, supports a deleterious effect; Not observed at significant frequency in large population cohorts (Lek et al., 2016); This variant is associated with the following publications: (PMID: 23149175, 18217876, 27648269, 21533827, 21917775)

Blueprint Genetics
Classification: Pathogenic for GFAP-related disorders. Last evaluated: 2019-11-26. Review status: criteria provided, single submitter. Criteria: ACMG Guidelines, 2015. Collection method: clinical testing. Allele origin: germline. Affected: yes. Observed: 1 variant allele.

Epithelial Biology;  Institute of Medical Biology, Singapore
No classification provided. Review status: no classification provided. Collection method: not provided. Allele origin: not provided. Not counted in ClinVar's aggregate classification.

GeneReviews
No classification provided. Condition: Alexander disease. Review status: no classification provided. Collection method: literature only. Allele origin: germline. Affected: yes. Not counted in ClinVar's aggregate classification.

Literature cited by the submitters: PubMed 18217876 (cited by Labcorp Genetics (formerly Invitae), Labcorp and GeneReviews); PubMed 21533827 (cited by Labcorp Genetics (formerly Invitae), Labcorp and GeneReviews); PubMed 23149175 (cited by Labcorp Genetics (formerly Invitae), Labcorp and GeneReviews); PubMed 27468269 (cited by Labcorp Genetics (formerly Invitae), Labcorp); PubMed 27648269 (cited by Labcorp Genetics (formerly Invitae), Labcorp); PubMed 21917775 (cited by Labcorp Genetics (formerly Invitae), Labcorp); NCBI Bookshelf NBK1172 (cited by GeneReviews).